The following is an entry in ClinVar:

NM_016616.5(NME8):c.1092A>T (p.Glu364Asp)

Gene: NME8 (NME/NM23 family member 8; plus strand). Cytogenetic location: 7p14.1.
Variant type: single nucleotide variant.
Coding change: c.1092A>T on transcript NM_016616.5 (MANE Select); coding-DNA position 1092, A replaced by T.
Protein change: p.Glu364Asp; replaces glutamic acid 364 with aspartic acid.
Molecular consequence: missense variant.
Genome position (GRCh38, 1-based): chr7:37,884,400, A>T. VCF-style: chr7-37884400-A-T. GRCh37 (hg19) VCF-style: chr7-37924002-A-T.
Other names: short protein forms E364D.
Identifiers: ClinVar variation 1485585 (VCV001485585.11), dbSNP rs1376113644, ClinGen allele CA367215768.

ClinVar aggregate classification (germline): Uncertain significance. Review status: criteria provided, multiple submitters, no conflicts (2 of 4 stars). 2 submissions from 2 submitters: Uncertain significance (2). Last evaluated 2024-08-21.

Conditions:
Primary ciliary dyskinesia. Also called: Ciliary dyskinesia. Identifiers: Orphanet 244, MedGen C0008780, MONDO:0016575, HP:0012265.
Primary ciliary dyskinesia 6. Also called: Primary Ciliary Dyskinesia 6: TXNDC3-Related Primary Ciliary Dyskinesia. Identifiers: Orphanet 244, MedGen C1970506, MONDO:0012571, OMIM 610852.

Allele frequency attached by ClinVar (database versions not stated): gnomAD 0.00001; gnomAD exomes 0.00001; TOPMed 0.00001.
gnomAD v4.1: 18 of 1,610,820 alleles (0.0011%); highest among the groups gnomAD compares: Non-Finnish European, 0.0015%; no homozygotes.

Submissions (2):

Ambry Genetics
Classification: Uncertain significance for Primary ciliary dyskinesia. Last evaluated: 2024-08-21. Review status: criteria provided, single submitter. Criteria: Ambry Variant Classification Scheme 2023. Collection method: clinical testing. Allele origin: germline.

Labcorp Genetics (formerly Invitae), Labcorp
Classification: Uncertain significance for Primary ciliary dyskinesia 6. Last evaluated: 2022-06-27. Review status: criteria provided, single submitter. Criteria: Invitae Variant Classification Sherloc (09022015). Collection method: clinical testing. Allele origin: germline.
Comment: In summary, the available evidence is currently insufficient to determine the role of this variant in disease. Therefore, it has been classified as a Variant of Uncertain Significance. Algorithms developed to predict the effect of missense changes on protein structure and function output the following: SIFT: "Tolerated"; PolyPhen-2: "Benign"; Align-GVGD: "Class C0". The aspartic acid amino acid residue is found in multiple mammalian species, which suggests that this missense change does not adversely affect protein function. This variant has not been reported in the literature in individuals affected with NME8-related conditions. This variant is present in population databases (no rsID available, gnomAD 0.002%). This sequence change replaces glutamic acid, which is acidic and polar, with aspartic acid, which is acidic and polar, at codon 364 of the NME8 protein (p.Glu364Asp).